The following is an entry in ClinVar:

ClinVar aggregate classification (germline): Benign (1 of 4 stars; one submission).

Conditions:
Colorectal cancer, susceptibility to, 1. Also called: COLORECTAL ADENOMA AND CANCER, SUSCEPTIBILITY TO; COLORECTAL CANCER, SUSCEPTIBILITY TO, ON CHROMOSOME 9. Identifiers: MedGen C1837315, MONDO:0012132, OMIM 608812.

Submission:

Myriad Genetics, Inc.
Classification: Benign for Colorectal cancer, susceptibility to, 1. Last evaluated: 2026-04-28. Review status: criteria provided, single submitter. Criteria: Myriad Autosomal Dominant, Autosomal Recessive and X-Linked Classification Criteria (2023). Collection method: clinical testing. Allele origin: unknown.
Comment: This variant is considered benign. This variant occurs in the non-coding 3' untranslated region of the gene, and is not expected to impact protein function.

NM_024642.5(GALNT12):c.*8T>C

Gene: GALNT12 (polypeptide N-acetylgalactosaminyltransferase 12; plus strand). Cytogenetic location: 9q22.33.
Variant type: single nucleotide variant.
Coding change: c.*8T>C on transcript NM_024642.5 (MANE Select); 8 bases downstream of the stop codon, T replaced by C.
Molecular consequence: 3 prime UTR variant.
Genome position (GRCh38, 1-based): chr9:98,849,100, T>C. VCF-style: chr9-98849100-T-C. GRCh37 (hg19) VCF-style: chr9-101611382-T-C.
Identifiers: ClinVar variation 4876196 (VCV004876196.1).